The following is an entry in ClinVar:

NM_032444.4(SLX4):c.4435C>T (p.Arg1479Ter)

Gene: SLX4 (SLX4 structure-specific endonuclease subunit; minus strand). Cytogenetic location: 16p13.3.
Variant type: single nucleotide variant.
Coding change: c.4435C>T on transcript NM_032444.4 (MANE Select); coding-DNA position 4435, C replaced by T.
Protein change: p.Arg1479Ter; replaces arginine 1479 with a stop codon.
Molecular consequence: nonsense.
Genome position (GRCh38, 1-based): chr16:3,589,203, G>A on the plus strand (C>T on the coding strand, the complement: SLX4 is on the minus strand). VCF-style: chr16-3589203-G-A. GRCh37 (hg19) VCF-style: chr16-3639204-G-A.
Other names: short protein forms R1479*.
Identifiers: ClinVar variation 1981127 (VCV001981127.4), dbSNP rs758409623, ClinGen allele CA7865639.

ClinVar aggregate classification (germline): Pathogenic (1 of 4 stars; one submission).

Conditions:
Fanconi anemia (FA). Also called: Fanconi's anemia. Identifiers: Orphanet 84, MedGen C0015625, MeSH D005199, MONDO:0019391.

Allele frequency attached by ClinVar (database versions not stated): ExAC 0.00002; gnomAD 0.00002; TOPMed 0.00002.
gnomAD v4.1: 9 of 1,613,820 alleles (0.00056%); highest among the groups gnomAD compares: African/African-American, 0.0053%; no homozygotes.

Submission:

Labcorp Genetics (formerly Invitae), Labcorp
Classification: Pathogenic for Fanconi anemia. Last evaluated: 2025-04-23. Review status: criteria provided, single submitter. Criteria: Invitae Variant Classification Sherloc (09022015). Collection method: clinical testing. Allele origin: germline.
Comment: This sequence change creates a premature translational stop signal (p.Arg1479*) in the SLX4 gene. It is expected to result in an absent or disrupted protein product. Loss-of-function variants in SLX4 are known to be pathogenic (PMID: 21240277). This variant is present in population databases (rs758409623, gnomAD 0.008%). This variant has not been reported in the literature in individuals affected with SLX4-related conditions. ClinVar contains an entry for this variant (Variation ID: 1981127). For these reasons, this variant has been classified as Pathogenic.

Literature cited by the submitters: PubMed 21240277.